The following is an entry in ClinVar:

NM_001999.4(FBN2):c.8015C>T (p.Thr2672Ile)

Gene: FBN2 (fibrillin 2; minus strand). Cytogenetic location: 5q23.3.
Variant type: single nucleotide variant.
Coding change: c.8015C>T on transcript NM_001999.4 (MANE Select); coding-DNA position 8015, C replaced by T.
Protein change: p.Thr2672Ile; replaces threonine 2672 with isoleucine.
Molecular consequence: missense variant.
Genome position (GRCh38, 1-based): chr5:128,263,602, G>A on the plus strand (C>T on the coding strand, the complement: FBN2 is on the minus strand). VCF-style: chr5-128263602-G-A. GRCh37 (hg19) VCF-style: chr5-127599294-G-A.
Other names: c.8015C>T (NM_001999.3); short protein forms T2672I.
Identifiers: ClinVar variation 1677760 (VCV001677760.2), dbSNP rs58095366, ClinGen allele CA127005412.

ClinVar aggregate classification (germline): Uncertain significance. Review status: criteria provided, multiple submitters, no conflicts (2 of 4 stars). 2 submissions from 2 submitters: Uncertain significance (2). Last evaluated 2025-03-11.

Allele frequency attached by ClinVar (database versions not stated): gnomAD exomes below 0.00001; TOPMed below 0.00001; gnomAD 0.00001; 1000 Genomes Project 0.00020; 1000 Genomes Project 30x 0.00031.
gnomAD v4.1: 7 of 1,614,118 alleles (0.00043%); highest among the groups gnomAD compares: African/African-American, 0.0053%; no homozygotes.

Submissions (2):

GeneDx
Classification: Uncertain significance. Last evaluated: 2025-03-11. Review status: criteria provided, single submitter. Criteria: GeneDx Variant Classification Process June 2021. Collection method: clinical testing. Allele origin: germline. Affected: yes.
Comment: Not observed at significant frequency in large population cohorts (gnomAD); In silico analysis supports that this missense variant has a deleterious effect on protein structure/function; Has not been previously published as pathogenic or benign to our knowledge; This variant is associated with the following publications: (PMID: 19006240, 18767143)

AiLife Diagnostics
Classification: Uncertain significance. Last evaluated: 2021-12-30. Review status: criteria provided, single submitter. Criteria: ACMG Guidelines, 2015. Collection method: clinical testing. Allele origin: germline. Affected: yes. Observed: 1 variant allele.